The following is an entry in ClinVar:

NM_000890.5(KCNJ5):c.303G>T (p.Trp101Cys)

Gene: KCNJ5 (potassium inwardly rectifying channel subfamily J member 5; plus strand). Cytogenetic location: 11q24.3.
Variant type: single nucleotide variant.
Coding change: c.303G>T on transcript NM_000890.5 (MANE Select); coding-DNA position 303, G replaced by T.
Protein change: p.Trp101Cys; replaces tryptophan 101 with cysteine.
Molecular consequence: missense variant.
Genome position (GRCh38, 1-based): chr11:128,911,576, G>T. VCF-style: chr11-128911576-G-T. GRCh37 (hg19) VCF-style: chr11-128781471-G-T.
Other names: c.303G>T, p.Trp101Cys (NM_001354169.2); short protein forms W101C.
Identifiers: ClinVar variation 2576148 (VCV002576148.1), dbSNP rs2497722863, ClinGen allele CA383247054.

ClinVar aggregate classification (germline): Uncertain significance (1 of 4 stars; one submission).

Submission:

Institute for Clinical Genetics, University Hospital TU Dresden, University Hospital TU Dresden
Classification: Uncertain significance. Last evaluated: 2023-07-26. Review status: criteria provided, single submitter. Criteria: ACMG Guidelines, 2015. Collection method: clinical testing. Allele origin: germline.
Comment: PM2_SUP, PP3_MOD